The following is an entry in ClinVar:

NM_201253.3(CRB1):c.2401A>T (p.Lys801Ter)

Gene: CRB1 (crumbs cell polarity complex component 1; plus strand). Cytogenetic location: 1q31.3.
Variant type: single nucleotide variant.
Coding change: c.2401A>T on transcript NM_201253.3 (MANE Select); coding-DNA position 2401, A replaced by T.
Protein change: p.Lys801Ter; replaces lysine 801 with a stop codon.
Molecular consequence: nonsense. On other transcripts: non-coding transcript variant (2), intron variant (1).
Genome position (GRCh38, 1-based): chr1:197,427,726, A>T. VCF-style: chr1-197427726-A-T. GRCh37 (hg19) VCF-style: chr1-197396856-A-T.
Other names: c.2065A>T, p.Lys689Ter (NM_001193640.2); c.2194A>T, p.Lys732Ter (NM_001257965.2); c.2128+5770A>T (NM_001257966.2); short protein forms K801*, K732*, K689*.
Identifiers: ClinVar variation 5736 (VCV000005736.78), dbSNP rs137853137, ClinGen allele CA203531.

ClinVar aggregate classification (germline): Pathogenic. Review status: criteria provided, multiple submitters, no conflicts (2 of 4 stars). 19 submissions from 16 submitters: Pathogenic (15). 4 of the submissions do not count toward it. Last evaluated 2026-09-15.

Conditions:
CRB1-related disorder. Also called: CRB1-related disorders; CRB1-related condition.
Retinal dystrophy. Also called: Inherited retinal dystrophy. Identifiers: Orphanet 71862, MedGen C0854723, MeSH D058499, MONDO:0019118, HP:0000556.
Retinitis pigmentosa 12 (RP12). Also called: RP WITH OR WITHOUT PRESERVED PARAARTERIOLE RETINAL PIGMENT EPITHELIUM; RETINITIS PIGMENTOSA WITH OR WITHOUT PARAARTERIOLAR PRESERVATION OF RETINAL PIGMENT EPITHELIUM; RP WITH OR WITHOUT PPRPE. Identifiers: Orphanet 791, MedGen C1838647, MONDO:0010818, OMIM 600105.
Leber congenital amaurosis 8 (LCA8). Identifiers: Orphanet 65, MedGen C3151202, MONDO:0013453, OMIM 613835.
Pigmented paravenous retinochoroidal atrophy. Identifiers: Orphanet 251295, MedGen C1868310, MONDO:0008246, OMIM 172870.
Retinitis pigmentosa (RP). Identifiers: Orphanet 791, MedGen C0035334, MeSH D012174, MONDO:0019200, OMIM 268000. Inheritance: Autosomal dominant, autosomal recessive and X linked inheritance.
Leber congenital amaurosis (LCA). Also called: Leber's amaurosis. Identifiers: Orphanet 65, MedGen C0339527, MeSH D057130, MONDO:0018998.

Allele frequency attached by ClinVar (database versions not stated): ExAC 0.00003; gnomAD exomes 0.00005 and 0.00025; TOPMed 0.00009; gnomAD 0.00012 and 0.00013.
gnomAD v4.1: 378 of 1,613,892 alleles (0.023%); highest among the groups gnomAD compares: Non-Finnish European, 0.031%; no homozygotes.

Submissions (19):

PreventionGenetics, part of Exact Sciences
Classification: Pathogenic for CRB1-related condition. Last evaluated: 2026-09-15. Review status: criteria provided, single submitter. Criteria: ACMG Guidelines, 2015. Collection method: clinical testing. Allele origin: germline.
Comment: The CRB1 c.2401A>T variant is predicted to result in premature protein termination (p.Lys801*). This variant has been reported, in the homozygous state or in the heterozygous state along with a second potentially causative variant in the same gene, in individuals with Leber congenital amaurosis or early-onset retinal disease (den Hollander et al. 2001. PubMed ID: 11389483; Henderson et al. 2010. PubMed ID: 20956273; Eisenberger et al. 2013. PubMed ID: 24265693). This variant is reported in 0.010% of alleles in individuals of European (Non-Finnish) descent in gnomAD. Nonsense variants in CRB1 are expected to be pathogenic. This variant is interpreted as pathogenic.

Labcorp Genetics (formerly Invitae), Labcorp
Classification: Pathogenic for Leber congenital amaurosis 8; Retinitis pigmentosa 12. Last evaluated: 2025-12-08. Review status: criteria provided, single submitter. Criteria: Invitae Variant Classification Sherloc (09022015). Collection method: clinical testing. Allele origin: germline.
Comment: This sequence change creates a premature translational stop signal (p.Lys801*) in the CRB1 gene. It is expected to result in an absent or disrupted protein product. Loss-of-function variants in CRB1 are known to be pathogenic (PMID: 10508521, 22065545, 23379534, 25412400, 26957898, 28041643, 29391521). This variant is present in population databases (rs137853137, gnomAD 0.01%). This premature translational stop signal has been observed in individuals with Leber congenital amaurosis, early-onset rod-cone dystrophy, or autosomal recessive retinitis pigmentosa (PMID: 11389483, 20956273, 24265693). ClinVar contains an entry for this variant (Variation ID: 5736). For these reasons, this variant has been classified as Pathogenic.

Natera, Inc.
Classification: Pathogenic for Leber congenital amaurosis. Last evaluated: 2025-11-04. Review status: criteria provided, single submitter. Criteria: Natera Variant Classification Schema (03/2026). Collection method: clinical testing. Allele origin: germline.
Comment: The c.2401A>T variant in CRB1 is a nonsense variant predicted to introduce a stop codon at amino acid 801. This variant is expected to result in nonsense mediated decay, truncation, or a dysfunctional protein product. This variant is rare in the general population with a frequency below the threshold expected for the associated phenotype(s). This variant has been observed in one or more individuals affected with the associated recessive disease, as either homozygous or compound heterozygous with a second variant (PMID: 33579689). Given the available evidence, this variant is classified as Pathogenic.

Fulgent Genetics
Classification: Pathogenic for Pigmented paravenous retinochoroidal atrophy; Retinitis pigmentosa 12; Leber congenital amaurosis 8. Last evaluated: 2024-05-14. Review status: criteria provided, single submitter. Criteria: ACMG Guidelines, 2015. Collection method: clinical testing. Allele origin: germline.

Baylor Genetics
Classification: Pathogenic for Leber congenital amaurosis 8. Last evaluated: 2024-03-09. Review status: criteria provided, single submitter. Criteria: ACMG Guidelines, 2015. Collection method: clinical testing. Allele origin: unknown.

Blueprint Genetics
Classification: Pathogenic for CRB1-related disorders. Last evaluated: 2023-09-21. Review status: criteria provided, single submitter. Criteria: ACMG Guidelines, 2015. Collection method: clinical testing. Allele origin: germline. Affected: yes. Observed: 5 variant alleles.

Genome-Nilou Lab
Classification: Pathogenic for Leber congenital amaurosis 8. Last evaluated: 2023-04-11. Review status: criteria provided, single submitter. Criteria: ACMG Guidelines, 2015. Collection method: clinical testing. Allele origin: germline. Affected: no.

Genome-Nilou Lab
Classification: Pathogenic for Pigmented paravenous retinochoroidal atrophy. Last evaluated: 2023-04-11. Review status: criteria provided, single submitter. Criteria: ACMG Guidelines, 2015. Collection method: clinical testing. Allele origin: germline. Affected: no.

Genome-Nilou Lab
Classification: Pathogenic for Retinitis pigmentosa 12. Last evaluated: 2023-04-11. Review status: criteria provided, single submitter. Criteria: ACMG Guidelines, 2015. Collection method: clinical testing. Allele origin: germline. Affected: no.

GeneDx
Classification: Pathogenic. Last evaluated: 2022-12-09. Review status: criteria provided, single submitter. Criteria: GeneDx Variant Classification Process June 2021. Collection method: clinical testing. Allele origin: germline. Affected: yes.
Comment: Nonsense variant predicted to result in protein truncation or nonsense mediated decay in a gene for which loss-of-function is a known mechanism of disease; This variant is associated with the following publications: (PMID: 32531858, 34003923, 30718709, 22863181, 24265693, 25525159, 11389483, 20956273, 28559085, 33387055, 31589614, 32037395, 34884448)

Institute of Human Genetics, Univ. Regensburg, Univ. Regensburg
Classification: Pathogenic for Retinal dystrophy. Last evaluated: 2021-01-01. Review status: criteria provided, single submitter. Criteria: ACMG Guidelines, 2015. Collection method: clinical testing. Allele origin: germline. Affected: yes.

Revvity Omics, Revvity
Classification: Pathogenic. Last evaluated: 2019-10-17. Review status: criteria provided, single submitter. Criteria: ACMG Guidelines, 2015. Collection method: clinical testing. Allele origin: germline.

CeGaT Center for Human Genetics Tuebingen
Classification: Pathogenic. Last evaluated: 2018-12-01. Review status: criteria provided, single submitter. Criteria: CeGaT Center For Human Genetics Tuebingen Variant Classification Criteria Version 2. Collection method: clinical testing. Allele origin: germline. Affected: yes. Observed: 3 variant alleles.

ARUP Laboratories, Molecular Genetics and Genomics, ARUP Laboratories
Classification: Pathogenic. Last evaluated: 2018-04-24. Review status: criteria provided, single submitter. Criteria: ARUP Molecular Germline Variant Investigation Process. Collection method: clinical testing. Allele origin: germline.
Comment: The CRB1 c.2401A>T; p.Lys801Ter variant (rs137853137) is reported in the medical literature in several individuals with a clinical diagnosis of autosomal recessive retinitis pigmentosa, with the majority of individuals carrying an additional pathogenic CRB1 variant (den Hollander 2001, Henderson 2011, Strom 2012) and has been implicated as a common pathogenic CRB1 variant (Coppieters 2010). The variant is listed as pathogenic in the ClinVar database by several sources (Variation ID: 5736). This variant is found in the general population with an overall allele frequency of 0.006% (16/276488 alleles) in the Genome Aggregation Database. This variant induces an early termination codon and is predicted to result in a truncated protein or mRNA subject to nonsense-mediated decay. Considering available information, this variant is classified as pathogenic. References: Coppieters F et al. Genetic screening of LCA in Belgium: predominance of CEP290 and identification of potential modifier alleles in AHI1 of CEP290-related phenotypes. Hum Mutat. 2010 Oct;31(10):E1709-66. den Hollander AI et al. Leber congenital amaurosis and retinitis pigmentosa with Coats-like exudative vasculopathy are associated with mutations in the crumbs homologue 1 (CRB1) gene. Am J Hum Genet. 2001 Jul;69(1):198-203. Henderson RH et al. Phenotypic variability in patients with retinal dystrophies due to mutations in CRB1. Br J Ophthalmol. 2011 Jun;95(6):811-7. Strom SP et al. Molecular diagnosis of putative Stargardt Disease probands by exome sequencing. BMC Med Genet. 2012 Aug 3;13:67.

Eurofins Ntd Llc (ga)
Classification: Pathogenic. Last evaluated: 2017-11-14. Review status: criteria provided, single submitter. Criteria: EGL Classification Definitions 2015. Collection method: clinical testing. Allele origin: germline. Observed: 2 variant alleles, 2 heterozygotes.

Department of Clinical Genetics, Copenhagen University Hospital, Rigshospitalet
Classification: Pathogenic for Retinitis pigmentosa. Last evaluated: 2018-04-01. Review status: no assertion criteria provided. Collection method: research. Allele origin: unknown. Affected: yes. Study: VeluxRD. Not counted in ClinVar's aggregate classification.

Department of Clinical Genetics, Copenhagen University Hospital, Rigshospitalet
Classification: Pathogenic for Retinal dystrophy. Last evaluated: 2018-04-01. Review status: no assertion criteria provided. Collection method: research. Allele origin: unknown. Affected: yes. Study: VeluxRD. Not counted in ClinVar's aggregate classification.

OMIM
Classification: Pathogenic for RETINITIS PIGMENTOSA 12. Last evaluated: 2001-07-01. Review status: no assertion criteria provided. Collection method: literature only. Allele origin: germline. Not counted in ClinVar's aggregate classification.

Laboratory of Genetics in Ophthalmology, Institut Imagine
Classification: Pathogenic for Leber congenital amaurosis 8. Review status: no assertion criteria provided. Collection method: research. Allele origin: inherited. Affected: yes. Observed: 3 variant alleles. Not counted in ClinVar's aggregate classification.

Literature cited by the submitters: PubMed 10508521 (cited by Labcorp Genetics (formerly Invitae), Labcorp); PubMed 22065545 (cited by Labcorp Genetics (formerly Invitae), Labcorp); PubMed 23379534 (cited by Labcorp Genetics (formerly Invitae), Labcorp); PubMed 25412400 (cited by Labcorp Genetics (formerly Invitae), Labcorp); PubMed 26957898 (cited by Labcorp Genetics (formerly Invitae), Labcorp); PubMed 28041643 (cited by Labcorp Genetics (formerly Invitae), Labcorp); PubMed 29391521 (cited by Labcorp Genetics (formerly Invitae), Labcorp); PubMed 11389483 (cited by 5 submitters); PubMed 20956273 (cited by 3 submitters); PubMed 24265693 (cited by 3 submitters); PubMed 33579689 (cited by Natera, Inc.); PubMed 22863181 (cited by Institute of Human Genetics, Univ. Regensburg, Univ. Regensburg); PubMed 25525159 (cited by Institute of Human Genetics, Univ. Regensburg, Univ. Regensburg); PubMed 28559085 (cited by Institute of Human Genetics, Univ. Regensburg, Univ. Regensburg); PubMed 31589614 (cited by Institute of Human Genetics, Univ. Regensburg, Univ. Regensburg); PubMed 31964843 (cited by Institute of Human Genetics, Univ. Regensburg, Univ. Regensburg); PubMed 32531858 (cited by Institute of Human Genetics, Univ. Regensburg, Univ. Regensburg); PubMed 31816670 (cited by Institute of Human Genetics, Univ. Regensburg, Univ. Regensburg); PubMed 32037395 (cited by Institute of Human Genetics, Univ. Regensburg, Univ. Regensburg); PubMed 34884448 (cited by Institute of Human Genetics, Univ. Regensburg, Univ. Regensburg); PubMed 33387055 (cited by Institute of Human Genetics, Univ. Regensburg, Univ. Regensburg); PubMed 34003923 (cited by Institute of Human Genetics, Univ. Regensburg, Univ. Regensburg); PubMed 36460718 (cited by Institute of Human Genetics, Univ. Regensburg, Univ. Regensburg); PubMed 36819107 (cited by Institute of Human Genetics, Univ. Regensburg, Univ. Regensburg); PubMed 30718709 (cited by Department of Clinical Genetics, Copenhagen University Hospital, Rigshospitalet).